The following is an entry in ClinVar:

ClinVar aggregate classification (germline): Pathogenic (1 of 4 stars; one submission).

Conditions:
Hereditary cancer-predisposing syndrome. Also called: Tumor predisposition; Hereditary neoplastic syndrome; Hereditary Cancer Syndrome; Neoplastic Syndromes, Hereditary. Identifiers: Orphanet 140162, MedGen C0027672, MeSH D009386, MONDO:0015356.

Submission:

Ambry Genetics
Classification: Pathogenic for Hereditary cancer-predisposing syndrome. Last evaluated: 2025-03-25. Review status: criteria provided, single submitter. Criteria: Ambry Variant Classification Scheme 2023. Collection method: clinical testing. Allele origin: germline.
Comment: The c.534_537delGCCGinsTT pathogenic mutation, located in coding exon 4 of the STK11 gene, results from the deletion of 4 nucleotides and insertion of two nucleotides causing a translational frameshift with a predicted alternate stop codon (p.K178Nfs*87). This variant was reported in individual(s) with features consistent with Peutz-Jeghers syndrome (Ambry internal data). This variant is considered to be rare based on population cohorts in the Genome Aggregation Database (gnomAD). This alteration is expected to result in loss of function by premature protein truncation or nonsense-mediated mRNA decay. As such, this alteration is interpreted as a disease-causing mutation.

NM_000455.5(STK11):c.534_537delinsTT (p.Lys178fs)

Gene: STK11 (serine/threonine kinase 11; plus strand). Cytogenetic location: 19p13.3.
Variant type: Indel.
Coding change: c.534_537delinsTT on transcript NM_000455.5 (MANE Select); coding-DNA positions 534 to 537, GCCG replaced by TT.
Protein change: p.Lys178fs; shifts the reading frame from lysine 178.
Molecular consequence: frameshift variant. On other transcripts: non-coding transcript variant (1).
Genome position (GRCh38, 1-based): chr19:1,220,442-1,220,445, GCCG replaced by TT. VCF-style: chr19-1220442-GCCG-TT. GRCh37 (hg19) VCF-style: chr19-1220441-GCCG-TT.
Other names: c.534_537delinsTT, p.Lys178fs (NM_001407255.1); short protein forms K178fs.
Identifiers: ClinVar variation 3963251 (VCV003963251.1).